The following is an entry in ClinVar:

ClinVar aggregate classification (germline): Likely benign (1 of 4 stars; one submission).

Allele frequency attached by ClinVar (database versions not stated): TOPMed 0.00001.
gnomAD v4.1: 25 of 1,614,012 alleles (0.0015%); highest among the groups gnomAD compares: Middle Eastern, 0.16%; no homozygotes.

Submission:

CeGaT Center for Human Genetics Tuebingen
Classification: Likely benign. Last evaluated: 2022-10-01. Review status: criteria provided, single submitter. Criteria: CeGaT Center For Human Genetics Tuebingen Variant Classification Criteria Version 2. Collection method: clinical testing. Allele origin: germline. Affected: yes. Observed: 1 variant allele.
Comment: TPO: BP4, BP7

NM_001206744.2(TPO):c.636C>A (p.Val212=)

Gene: TPO (thyroid peroxidase; plus strand). Cytogenetic location: 2p25.3.
Variant type: single nucleotide variant.
Coding change: c.636C>A on transcript NM_001206744.2 (MANE Select); coding-DNA position 636, C replaced by A.
Protein change: p.Val212=; no amino-acid change (valine 212 retained).
Molecular consequence: synonymous variant.
Genome position (GRCh38, 1-based): chr2:1,456,099, C>A. VCF-style: chr2-1456099-C-A. GRCh37 (hg19) VCF-style: chr2-1459871-C-A.
Other names: c.636C>A, p.Val212= (NM_000547.6, NM_001206745.2, NM_175719.4 and 2 more transcripts).
Identifiers: ClinVar variation 2650604 (VCV002650604.24), dbSNP rs1039731960, ClinGen allele CA424501567.
Genomic context (GRCh38, chr2:1,456,099, plus strand): 5'-CCTCCTATGTCCTGACCAATGGTCTCTTCCTACCCAGGTCCGGGAGGTGACAAGACATGT[C>A]ATTCAAGTTTCAAATGAGGTTGTCACAGATGATGACCGCTATTCTGACCTCCTGATGGCA-3'
Protein context (NP_001193673.1, residues 202-222): LPPVREVTRH[Val212=]IQVSNEVVTD